The following is an entry in ClinVar:

NM_001297.5(CNGB1):c.291-8C>T

Gene: CNGB1 (cyclic nucleotide gated channel subunit beta 1; minus strand). Cytogenetic location: 16q21.
Variant type: single nucleotide variant.
Coding change: c.291-8C>T on transcript NM_001297.5 (MANE Select); 8 bases into the intron before coding-DNA position 291, C replaced by T.
Molecular consequence: intron variant.
Genome position (GRCh38, 1-based): chr16:57,963,072, G>A on the plus strand (C>T on the coding strand, the complement: CNGB1 is on the minus strand). VCF-style: chr16-57963072-G-A. GRCh37 (hg19) VCF-style: chr16-57996976-G-A.
Other names: c.291-8C>T (NM_001297.4, NM_001286130.2, NM_001135639.2).
Identifiers: ClinVar variation 1087437 (VCV001087437.11), dbSNP rs375078087, ClinGen allele CA8083902.

ClinVar aggregate classification (germline): Likely benign. Review status: criteria provided, multiple submitters, no conflicts (2 of 4 stars). 3 submissions from 3 submitters: Likely benign (3). Last evaluated 2026-03-03.

Conditions:
CNGB1-related disorder. Also called: CNGB1-related condition.

Allele frequency attached by ClinVar (database versions not stated): gnomAD exomes 0.00001 and 0.00003; ExAC 0.00003; ESP Exome Variant Server 0.00008; gnomAD 0.00009 and 0.00011; TOPMed 0.00009.
gnomAD v4.1: 23 of 1,605,970 alleles (0.0014%); highest among the groups gnomAD compares: African/African-American, 0.031%; no homozygotes.

Submissions (3):

PreventionGenetics, part of Exact Sciences
Classification: Likely benign for CNGB1-related condition. Last evaluated: 2026-03-03. Review status: criteria provided, single submitter. Criteria: ACMG Guidelines, 2015. Collection method: clinical testing. Allele origin: germline.
Comment: This variant is classified as likely benign based on ACMG/AMP sequence variant interpretation guidelines (Richards et al. 2015 PMID: 25741868, with internal and published modifications).

Labcorp Genetics (formerly Invitae), Labcorp
Classification: Likely benign. Last evaluated: 2024-10-24. Review status: criteria provided, single submitter. Criteria: Invitae Variant Classification Sherloc (09022015). Collection method: clinical testing. Allele origin: germline.

Blueprint Genetics
Classification: Likely benign. Last evaluated: 2022-11-23. Review status: criteria provided, single submitter. Criteria: ACMG Guidelines, 2015. Collection method: clinical testing. Allele origin: germline.